The following is an entry in ClinVar:

ClinVar aggregate classification (germline): Uncertain significance. Review status: criteria provided, multiple submitters, no conflicts (2 of 4 stars). 2 submissions from 2 submitters: Uncertain significance (2). Last evaluated 2023-01-11.

Conditions:
Sulfite oxidase deficiency. Also called: Isolated sulfite oxidase deficiency. Identifiers: Orphanet 833, Orphanet 99731, MedGen C0268624, MONDO:0010089, OMIM 272300, HP:0003643.
Inborn genetic diseases. Identifiers: MedGen C0950123, MeSH D030342.

Allele frequency attached by ClinVar (database versions not stated): TOPMed 0.00002; gnomAD 0.00003; ExAC 0.00007; 1000 Genomes Project 30x 0.00016; 1000 Genomes Project 0.00020.

Submissions (2):

Ambry Genetics
Classification: Uncertain significance for Inborn genetic diseases. Last evaluated: 2023-01-11. Review status: criteria provided, single submitter. Criteria: Ambry Variant Classification Scheme 2023. Collection method: clinical testing. Allele origin: germline.

Labcorp Genetics (formerly Invitae), Labcorp
Classification: Uncertain significance for Sulfite oxidase deficiency. Last evaluated: 2021-09-11. Review status: criteria provided, single submitter. Criteria: Invitae Variant Classification Sherloc (09022015). Collection method: clinical testing. Allele origin: germline.
Comment: This sequence change replaces valine with methionine at codon 522 of the SUOX protein (p.Val522Met). The valine residue is moderately conserved and there is a small physicochemical difference between valine and methionine. This variant is present in population databases (rs540191653, ExAC 0.04%). This variant has not been reported in the literature in individuals affected with SUOX-related conditions. Algorithms developed to predict the effect of missense changes on protein structure and function (SIFT, PolyPhen-2, Align-GVGD) all suggest that this variant is likely to be tolerated. In summary, the available evidence is currently insufficient to determine the role of this variant in disease. Therefore, it has been classified as a Variant of Uncertain Significance.

NM_001032386.2(SUOX):c.1564G>A (p.Val522Met)

Gene: SUOX (sulfite oxidase; plus strand). Cytogenetic location: 12q13.2.
Variant type: single nucleotide variant.
Coding change: c.1564G>A on transcript NM_001032386.2 (MANE Select); coding-DNA position 1564, G replaced by A.
Protein change: p.Val522Met; replaces valine 522 with methionine.
Molecular consequence: missense variant.
Genome position (GRCh38, 1-based): chr12:56,004,953, G>A. VCF-style: chr12-56004953-G-A. GRCh37 (hg19) VCF-style: chr12-56398737-G-A.
Other names: c.1564G>A (NM_000456.2); c.1564G>A, p.Val522Met (NM_000456.3, NM_001032387.2); short protein forms V522M.
Identifiers: ClinVar variation 2166471 (VCV002166471.3), dbSNP rs540191653, ClinGen allele CA6621182.
Genomic context (GRCh38, chr12:56,004,953, plus strand): 5'-AAGGAACTGAACATTGTTTGTAAGGCTGTGGATGATGGTTACAATGTGCAGCCAGACACC[G>A]TGGCCCCAATCTGGAACCTGCGAGGTGTTCTCAGCAATGCCTGGCATCGTGTCCATGTCT-3'
Protein context (NP_001027558.1, residues 512-532): DDGYNVQPDT[Val522Met]APIWNLRGVL